The following is an entry in ClinVar:

ClinVar aggregate classification (germline): Uncertain significance (1 of 4 stars; one submission).

Conditions:
Singleton-Merten syndrome 1 (SGMRT1). Also called: Widened medullary cavities of bone, aortic calcification, abnormal dentition, and muscular weakness; Syndrome of widened medullary cavities of the metacarpals and phalanges, aortic calcification and abnormal dentition. Identifiers: Orphanet 85191, MedGen C4225427, MONDO:0024535, OMIM 182250.
Aicardi-Goutieres syndrome 7 (AGS7). Identifiers: Orphanet 51, MedGen C3888244, MONDO:0014367, OMIM 615846.

Submission:

Labcorp Genetics (formerly Invitae), Labcorp
Classification: Uncertain significance for Aicardi-Goutieres syndrome 7; Singleton-Merten syndrome 1. Last evaluated: 2024-06-28. Review status: criteria provided, single submitter. Criteria: Invitae Variant Classification Sherloc (09022015). Collection method: clinical testing. Allele origin: germline.
Comment: This sequence change replaces cysteine, which is neutral and slightly polar, with tryptophan, which is neutral and slightly polar, at codon 654 of the IFIH1 protein (p.Cys654Trp). This variant is not present in population databases (gnomAD no frequency). This variant has not been reported in the literature in individuals affected with IFIH1-related conditions. ClinVar contains an entry for this variant (Variation ID: 863053). Advanced modeling of protein sequence and biophysical properties (such as structural, functional, and spatial information, amino acid conservation, physicochemical variation, residue mobility, and thermodynamic stability) has been performed at Invitae for this missense variant, however the output from this modeling did not meet the statistical confidence thresholds required to predict the impact of this variant on IFIH1 protein function. In summary, the available evidence is currently insufficient to determine the role of this variant in disease. Therefore, it has been classified as a Variant of Uncertain Significance.

NM_022168.4(IFIH1):c.1962T>G (p.Cys654Trp)

Gene: IFIH1 (interferon induced with helicase C domain 1; minus strand). Cytogenetic location: 2q24.2.
Variant type: single nucleotide variant.
Coding change: c.1962T>G on transcript NM_022168.4 (MANE Select); coding-DNA position 1962, T replaced by G.
Protein change: p.Cys654Trp; replaces cysteine 654 with tryptophan.
Molecular consequence: missense variant.
Genome position (GRCh38, 1-based): chr2:162,277,497, A>C on the plus strand (T>G on the coding strand, the complement: IFIH1 is on the minus strand). VCF-style: chr2-162277497-A-C. GRCh37 (hg19) VCF-style: chr2-163134007-A-C.
Other names: short protein forms C654W.
Identifiers: ClinVar variation 863053 (VCV000863053.9), dbSNP rs1682717892, ClinGen allele CA348998772.